The following is an entry in ClinVar:

ClinVar aggregate classification (germline): Uncertain significance (1 of 4 stars; one submission).

Conditions:
Inborn genetic diseases. Identifiers: MedGen C0950123, MeSH D030342.

Allele frequency attached by ClinVar (database versions not stated): gnomAD 0.00001; TOPMed 0.00001.

Submission:

Ambry Genetics
Classification: Uncertain significance for Inborn genetic diseases. Last evaluated: 2023-02-11. Review status: criteria provided, single submitter. Criteria: Ambry Variant Classification Scheme 2023. Collection method: clinical testing. Allele origin: germline.
Comment: The p.G1102V variant (also known as c.3305G>T), located in coding exon 24 of the LTBP3 gene, results from a G to T substitution at nucleotide position 3305. The glycine at codon 1102 is replaced by valine, an amino acid with dissimilar properties. This amino acid position is conserved. In addition, this alteration is predicted to be deleterious by in silico analysis. Since supporting evidence is limited at this time, the clinical significance of this alteration remains unclear.

NM_001130144.3(LTBP3):c.3305G>T (p.Gly1102Val)

Gene: LTBP3 (latent transforming growth factor beta binding protein 3; minus strand). Cytogenetic location: 11q13.1.
Variant type: single nucleotide variant.
Coding change: c.3305G>T on transcript NM_001130144.3 (MANE Select); coding-DNA position 3305, G replaced by T.
Protein change: p.Gly1102Val; replaces glycine 1102 with valine.
Molecular consequence: missense variant. On other transcripts: intron variant (2).
Genome position (GRCh38, 1-based): chr11:65,540,093, C>A on the plus strand (G>T on the coding strand, the complement: LTBP3 is on the minus strand). VCF-style: chr11-65540093-C-A. GRCh37 (hg19) VCF-style: chr11-65307564-C-A.
Other names: c.2893+152G>T (NM_001164266.1); c.3244+152G>T (NM_021070.4); short protein forms G1102V.
Identifiers: ClinVar variation 2496758 (VCV002496758.2), dbSNP rs1034516623, ClinGen allele CA224009064.
Genomic context (GRCh38, chr11:65,540,093, plus strand): 5'-TGGCAATCGCGGCCGGAGGGCCCGGGCACCCAGGGCGGGCGACACTCGCAGCGGTAGGAG[C>A]CCGGCAGGTTGACGCAGCGGCCAGGGCGGCAGGCTGCCGGGTCCTGGCACTCGTCCACGT-3'
Protein context (NP_001123616.1, residues 1092-1112): CRPGRCVNLP[Gly1102Val]SYRCECRPPW